The following is an entry in ClinVar:

NM_144969.3(ZDHHC15):c.437C>A (p.Ser146Tyr)

Gene: ZDHHC15 (zDHHC palmitoyltransferase 15; minus strand). Cytogenetic location: Xq13.3.
Variant type: single nucleotide variant.
Coding change: c.437C>A on transcript NM_144969.3 (MANE Select); coding-DNA position 437, C replaced by A.
Protein change: p.Ser146Tyr; replaces serine 146 with tyrosine.
Molecular consequence: missense variant.
Genome position (GRCh38, 1-based): chrX:75,431,463, G>T on the plus strand (C>A on the coding strand, the complement: ZDHHC15 is on the minus strand). VCF-style: chrX-75431463-G-T. GRCh37 (hg19) VCF-style: chrX-74651298-G-T.
Other names: c.410C>A, p.Ser137Tyr (NM_001146256.2); short protein forms S137Y, S146Y.
Identifiers: ClinVar variation 2660946 (VCV002660946.24), dbSNP rs2147864012, ClinGen allele CA413683676.

ClinVar aggregate classification (germline): Uncertain significance (1 of 4 stars; one submission).

Submission:

CeGaT Center for Human Genetics Tuebingen
Classification: Uncertain significance. Last evaluated: 2022-12-01. Review status: criteria provided, single submitter. Criteria: CeGaT Center For Human Genetics Tuebingen Variant Classification Criteria Version 2. Collection method: clinical testing. Allele origin: germline. Affected: yes. Observed: 1 variant allele.
Comment: ZDHHC15: PM2